The following is an entry in ClinVar:

NM_004329.3(BMPR1A):c.333+9T>C

Gene: BMPR1A (bone morphogenetic protein receptor type 1A; plus strand). Cytogenetic location: 10q23.2.
Variant type: single nucleotide variant.
Coding change: c.333+9T>C on transcript NM_004329.3 (MANE Select); 9 bases into the intron after coding-DNA position 333, T replaced by C.
Molecular consequence: intron variant.
Genome position (GRCh38, 1-based): chr10:86,892,238, T>C. VCF-style: chr10-86892238-T-C. GRCh37 (hg19) VCF-style: chr10-88651995-T-C.
Identifiers: ClinVar variation 733283 (VCV000733283.12), dbSNP rs1589764344, ClinGen allele CA915947536.

ClinVar aggregate classification (germline): Likely benign. Review status: criteria provided, multiple submitters, no conflicts (2 of 4 stars). 2 submissions from 2 submitters: Likely benign (2). Last evaluated 2024-07-31.

Conditions:
Juvenile polyposis syndrome (JPS). Identifiers: Orphanet 2929, MedGen C0345893, MONDO:0017380, OMIM 174900.

Submissions (2):

Myriad Genetics, Inc.
Classification: Likely benign for Juvenile polyposis syndrome. Last evaluated: 2024-07-31. Review status: criteria provided, single submitter. Criteria: Myriad Autosomal Dominant, Autosomal Recessive and X-Linked Classification Criteria (2023). Collection method: clinical testing. Allele origin: unknown.
Comment: This variant is considered likely benign. This variant is intronic and is not expected to impact mRNA splicing.

Labcorp Genetics (formerly Invitae), Labcorp
Classification: Likely benign for Juvenile polyposis syndrome. Last evaluated: 2019-06-12. Review status: criteria provided, single submitter. Criteria: Invitae Variant Classification Sherloc (09022015). Collection method: clinical testing. Allele origin: germline.